The following is an entry in ClinVar:

NM_000719.7(CACNA1C):c.1381C>T (p.Pro461Ser)

Gene: CACNA1C (calcium voltage-gated channel subunit alpha1 C; plus strand). Cytogenetic location: 12p13.33.
Variant type: single nucleotide variant.
Coding change: c.1381C>T on transcript NM_000719.7 (MANE Select); coding-DNA position 1381, C replaced by T.
Protein change: p.Pro461Ser; replaces proline 461 with serine.
Molecular consequence: missense variant.
Genome position (GRCh38, 1-based): chr12:2,512,975, C>T. VCF-style: chr12-2512975-C-T. GRCh37 (hg19) VCF-style: chr12-2622141-C-T.
Other names: c.1381C>T, p.Pro461Ser (NM_001129838.2, NM_001129839.2, NM_001129840.2 and 18 more transcripts); c.1372C>T, p.Pro458Ser (NM_001129844.2); short protein forms P461S, P458S.
Identifiers: ClinVar variation 2585523 (VCV002585523.1), dbSNP rs776242172, ClinGen allele CA383367591.

ClinVar aggregate classification (germline): Uncertain significance (1 of 4 stars; one submission).

Conditions:
Long QT syndrome 8. Identifiers: MedGen CN260585, MONDO:0032756, OMIM 618447.

Submission:

Neuberg Centre For Genomic Medicine, NCGM
Classification: Uncertain significance for Long QT syndrome 8. Review status: criteria provided, single submitter. Criteria: ACMG Guidelines, 2015. Collection method: clinical testing. Allele origin: germline. Inheritance: Autosomal dominant inheritance. Affected: yes.
Comment: The missense variant c.1381C>T (p.Pro461Ser) in CACNA1C gene has not been reported previously as a pathogenic variant nor as a benign variant, to our knowledge. This variant is novel (not in any individuals) in gnomAD Exomes and 1000 Genomes. The amino acid Proline at position 461 is changed to a Serine changing protein sequence and it might alter its composition and physico-chemical properties. The residue is conserved across species. For these reasons, this variant has been classified as Uncertain Significance.